The following is an entry in ClinVar:

NM_003872.3(NRP2):c.2530G>A (p.Ala844Thr)

Gene: NRP2 (neuropilin 2; plus strand). Cytogenetic location: 2q33.3.
Variant type: single nucleotide variant.
Coding change: c.2530G>A on transcript NM_003872.3 (MANE Select); coding-DNA position 2530, G replaced by A.
Protein change: p.Ala844Thr; replaces alanine 844 with threonine.
Molecular consequence: missense variant.
Genome position (GRCh38, 1-based): chr2:205,794,807, G>A. VCF-style: chr2-205794807-G-A. GRCh37 (hg19) VCF-style: chr2-206659531-G-A.
Other names: c.2545G>A, p.Ala849Thr (NM_201266.2); c.2479G>A, p.Ala827Thr (NM_201279.2); short protein forms A827T, A844T, A849T.
Identifiers: ClinVar variation 2629261 (VCV002629261.2), dbSNP rs757012265, ClinGen allele CA2069604.

ClinVar aggregate classification (germline): Uncertain significance (1 of 4 stars; one submission).

Conditions:
NRP2-related disorder. Also called: NRP2-related condition.

Allele frequency attached by ClinVar (database versions not stated): gnomAD exomes 0.00002; gnomAD 0.00003.
gnomAD v4.1: 44 of 1,614,160 alleles (0.0027%); highest among the groups gnomAD compares: Admixed American, 0.01%; no homozygotes.

Submission:

PreventionGenetics, part of Exact Sciences
Classification: Uncertain significance for NRP2-related condition. Last evaluated: 2026-08-24. Review status: criteria provided, single submitter. Criteria: ACMG Guidelines, 2015. Collection method: clinical testing. Allele origin: germline.
Comment: The NRP2 c.2545G>A variant is predicted to result in the amino acid substitution p.Ala849Thr. To our knowledge, this variant has not been reported in the literature. This variant is reported in 0.0065% of alleles in individuals of South Asian descent in gnomAD. At this time, the clinical significance of this variant is uncertain due to the absence of conclusive functional and genetic evidence.